The following is an entry in ClinVar:

NM_002529.4(NTRK1):c.1040G>T (p.Arg347Leu)

Gene: NTRK1 (neurotrophic receptor tyrosine kinase 1; plus strand). Cytogenetic location: 1q23.1.
Variant type: single nucleotide variant.
Coding change: c.1040G>T on transcript NM_002529.4 (MANE Select); coding-DNA position 1040, G replaced by T.
Protein change: p.Arg347Leu; replaces arginine 347 with leucine.
Molecular consequence: missense variant.
Genome position (GRCh38, 1-based): chr1:156,873,822, G>T. VCF-style: chr1-156873822-G-T. GRCh37 (hg19) VCF-style: chr1-156843614-G-T.
Other names: c.950G>T, p.Arg317Leu (NM_001007792.1); c.1040G>T, p.Arg347Leu (NM_001012331.2); short protein forms R347L, R317L.
Identifiers: ClinVar variation 1446968 (VCV001446968.8), dbSNP rs797045060, ClinGen allele CA342936057.

ClinVar aggregate classification (germline): Uncertain significance (1 of 4 stars; one submission).

Conditions:
Hereditary insensitivity to pain with anhidrosis (CIPA). Also called: INSENSITIVITY TO PAIN, CONGENITAL, WITH ANHIDROSIS; hereditary sensory and autonomic neuropathy type 4; HSAN Type IV; NTRK1 Congenital Insensitivity to Pain with Anhidrosis; NEUROPATHY, CONGENITAL SENSORY, WITH ANHIDROSIS; FAMILIAL DYSAUTONOMIA, TYPE II. Identifiers: Orphanet 642, MedGen C0020074, MONDO:0009746, OMIM 256800.

Submission:

Labcorp Genetics (formerly Invitae), Labcorp
Classification: Uncertain significance for Hereditary insensitivity to pain with anhidrosis. Last evaluated: 2022-10-13. Review status: criteria provided, single submitter. Criteria: Invitae Variant Classification Sherloc (09022015). Collection method: clinical testing. Allele origin: germline.
Comment: In summary, the available evidence is currently insufficient to determine the role of this variant in disease. Therefore, it has been classified as a Variant of Uncertain Significance. Advanced modeling of protein sequence and biophysical properties (such as structural, functional, and spatial information, amino acid conservation, physicochemical variation, residue mobility, and thermodynamic stability) performed at Invitae indicates that this missense variant is not expected to disrupt NTRK1 protein function. ClinVar contains an entry for this variant (Variation ID: 1446968). This variant has not been reported in the literature in individuals affected with NTRK1-related conditions. This variant is not present in population databases (gnomAD no frequency). This sequence change replaces arginine, which is basic and polar, with leucine, which is neutral and non-polar, at codon 347 of the NTRK1 protein (p.Arg347Leu).